The following is an entry in ClinVar:

ClinVar aggregate classification (germline): Likely benign. Review status: criteria provided, multiple submitters, no conflicts (2 of 4 stars). 3 submissions from 3 submitters: Likely benign (2). 1 of the submissions does not count toward it. Last evaluated 2026-01-12.

Conditions:
EHMT1-related disorder. Also called: EHMT1-related condition.
Inborn genetic diseases. Identifiers: MedGen C0950123, MeSH D030342.
Kleefstra syndrome 1 (KLEFS1). Identifiers: Orphanet 261494, MedGen C0795833, MONDO:0027407, OMIM 610253.

Allele frequency attached by ClinVar (database versions not stated): gnomAD exomes 0.00009 and 0.00005; gnomAD 0.00018 and 0.00019; 1000 Genomes Project 0.00020; 1000 Genomes Project 30x 0.00031; ExAC 0.00007; TOPMed 0.00021.
gnomAD v4.1: 101 of 1,613,478 alleles (0.0063%); highest among the groups gnomAD compares: African/African-American, 0.069%; 1 homozygote.

Submissions (3):

Labcorp Genetics (formerly Invitae), Labcorp
Classification: Likely benign for Kleefstra syndrome 1. Last evaluated: 2026-01-12. Review status: criteria provided, single submitter. Criteria: Invitae Variant Classification Sherloc (09022015). Collection method: clinical testing. Allele origin: germline.

Ambry Genetics
Classification: Likely benign for Inborn genetic diseases. Last evaluated: 2021-06-30. Review status: criteria provided, single submitter. Criteria: Ambry Variant Classification Scheme 2023. Collection method: clinical testing. Allele origin: germline.

PreventionGenetics, part of Exact Sciences
Classification: Likely benign for EHMT1-related condition. Last evaluated: 2023-03-31. Review status: no assertion criteria provided. Collection method: clinical testing. Allele origin: germline. Not counted in ClinVar's aggregate classification.
Comment: This variant is classified as likely benign based on ACMG/AMP sequence variant interpretation guidelines (Richards et al. 2015 PMID: 25741868, with internal and published modifications).

NM_024757.5(EHMT1):c.2962G>A (p.Ala988Thr)

Gene: EHMT1 (euchromatic histone lysine methyltransferase 1; plus strand). Cytogenetic location: 9q34.3.
Variant type: single nucleotide variant.
Coding change: c.2962G>A on transcript NM_024757.5 (MANE Select); coding-DNA position 2962, G replaced by A.
Protein change: p.Ala988Thr; replaces alanine 988 with threonine.
Molecular consequence: missense variant.
Genome position (GRCh38, 1-based): chr9:137,813,100, G>A. VCF-style: chr9-137813100-G-A. GRCh37 (hg19) VCF-style: chr9-140707552-G-A.
Other names: c.2941G>A, p.Ala981Thr (NM_001354263.2); short protein forms A988T, A981T.
Identifiers: ClinVar variation 577444 (VCV000577444.15), dbSNP rs565543981, ClinGen allele CA5375116.